The following is an entry in ClinVar:

NM_001018113.3(FANCB):c.1304A>G (p.Asp435Gly)

Gene: FANCB (FA complementation group B; minus strand). Cytogenetic location: Xp22.2.
Variant type: single nucleotide variant.
Coding change: c.1304A>G on transcript NM_001018113.3 (MANE Select); coding-DNA position 1304, A replaced by G.
Protein change: p.Asp435Gly; replaces aspartic acid 435 with glycine.
Molecular consequence: missense variant.
Genome position (GRCh38, 1-based): chrX:14,853,061, T>C on the plus strand (A>G on the coding strand, the complement: FANCB is on the minus strand). VCF-style: chrX-14853061-T-C. GRCh37 (hg19) VCF-style: chrX-14871183-T-C.
Other names: c.1304A>G, p.Asp435Gly (NM_001324162.2, NM_001410764.1, NM_152633.4); short protein forms D435G.
Identifiers: ClinVar variation 2973264 (VCV002973264.3), dbSNP rs2518976411, ClinGen allele CA412442404.

ClinVar aggregate classification (germline): Uncertain significance. Review status: criteria provided, multiple submitters, no conflicts (2 of 4 stars). 2 submissions from 2 submitters: Uncertain significance (2). Last evaluated 2024-06-14.

Conditions:
Fanconi anemia (FA). Also called: Fanconi's anemia. Identifiers: Orphanet 84, MedGen C0015625, MeSH D005199, MONDO:0019391.
Fanconi anemia complementation group B (FANCB). Also called: FANCB-Related Fanconi Anemia; FANCONI PANCYTOPENIA, TYPE 2. Identifiers: Orphanet 84, MedGen C1845292, MONDO:0010351, OMIM 300514.

gnomAD v4.1: 1 of 1,203,437 alleles (0.000083%); no homozygotes.

Submissions (2):

Fulgent Genetics
Classification: Uncertain significance for Fanconi anemia complementation group B. Last evaluated: 2024-06-14. Review status: criteria provided, single submitter. Criteria: ACMG Guidelines, 2015. Collection method: clinical testing. Allele origin: germline.

Labcorp Genetics (formerly Invitae), Labcorp
Classification: Uncertain significance for Fanconi anemia. Last evaluated: 2024-01-31. Review status: criteria provided, single submitter. Criteria: Invitae Variant Classification Sherloc (09022015). Collection method: clinical testing. Allele origin: germline.
Comment: This sequence change replaces aspartic acid, which is acidic and polar, with glycine, which is neutral and non-polar, at codon 435 of the FANCB protein (p.Asp435Gly). This variant is not present in population databases (gnomAD no frequency). This variant has not been reported in the literature in individuals affected with FANCB-related conditions. Advanced modeling of protein sequence and biophysical properties (such as structural, functional, and spatial information, amino acid conservation, physicochemical variation, residue mobility, and thermodynamic stability) performed at Invitae indicates that this missense variant is not expected to disrupt FANCB protein function with a negative predictive value of 80%. In summary, the available evidence is currently insufficient to determine the role of this variant in disease. Therefore, it has been classified as a Variant of Uncertain Significance.